The following is an entry in ClinVar:

NM_000702.4(ATP1A2):c.1363C>A (p.Leu455Ile)

Gene: ATP1A2 (ATPase Na+/K+ transporting subunit alpha 2; plus strand). Cytogenetic location: 1q23.2.
Variant type: single nucleotide variant.
Coding change: c.1363C>A on transcript NM_000702.4 (MANE Select); coding-DNA position 1363, C replaced by A.
Protein change: p.Leu455Ile; replaces leucine 455 with isoleucine.
Molecular consequence: missense variant.
Genome position (GRCh38, 1-based): chr1:160,129,302, C>A. VCF-style: chr1-160129302-C-A. GRCh37 (hg19) VCF-style: chr1-160099092-C-A.
Other names: short protein forms L455I.
Identifiers: ClinVar variation 874708 (VCV000874708.8), dbSNP rs1490998665, ClinGen allele CA343241877.

ClinVar aggregate classification (germline): Uncertain significance. Review status: criteria provided, multiple submitters, no conflicts (2 of 4 stars). 4 submissions from 3 submitters: Uncertain significance (4). Last evaluated 2024-05-06.

Conditions:
Familial hemiplegic migraine. Identifiers: MedGen C0338484, MONDO:0000700.
Alternating hemiplegia of childhood 1 (AHC1). Identifiers: Orphanet 2131, MedGen C3549447, MONDO:0007087, OMIM 104290.
Migraine, familial hemiplegic, 2. Identifiers: Orphanet 569, MedGen C1865322, MONDO:0011232, OMIM 602481.

Allele frequency attached by ClinVar (database versions not stated): gnomAD exomes below 0.00001 and 0.00001.
gnomAD v4.1: 11 of 1,614,190 alleles (0.00068%); highest among the groups gnomAD compares: Non-Finnish European, 0.00093%; no homozygotes.

Submissions (4):

Labcorp Genetics (formerly Invitae), Labcorp
Classification: Uncertain significance for Familial hemiplegic migraine. Last evaluated: 2024-05-06. Review status: criteria provided, single submitter. Criteria: Invitae Variant Classification Sherloc (09022015). Collection method: clinical testing. Allele origin: germline.
Comment: This sequence change replaces leucine, which is neutral and non-polar, with isoleucine, which is neutral and non-polar, at codon 455 of the ATP1A2 protein (p.Leu455Ile). This variant is present in population databases (no rsID available, gnomAD 0.0009%). This variant has not been reported in the literature in individuals affected with ATP1A2-related conditions. ClinVar contains an entry for this variant (Variation ID: 874708). Advanced modeling of protein sequence and biophysical properties (such as structural, functional, and spatial information, amino acid conservation, physicochemical variation, residue mobility, and thermodynamic stability) performed at Invitae indicates that this missense variant is not expected to disrupt ATP1A2 protein function with a negative predictive value of 80%. In summary, the available evidence is currently insufficient to determine the role of this variant in disease. Therefore, it has been classified as a Variant of Uncertain Significance.

GeneDx
Classification: Uncertain significance. Last evaluated: 2020-11-20. Review status: criteria provided, single submitter. Criteria: GeneDx Variant Classification Process June 2021. Collection method: clinical testing. Allele origin: germline. Affected: yes.
Comment: Not observed at a significant frequency in large population cohorts (Lek et al., 2016); In silico analysis, which includes protein predictors and evolutionary conservation, supports that this variant does not alter protein structure/function; Has not been previously published as pathogenic or benign to our knowledge

Illumina Laboratory Services, Illumina
Classification: Uncertain significance for Migraine, familial hemiplegic, 2. Last evaluated: 2018-01-13. Review status: criteria provided, single submitter. Criteria: ICSL Variant Classification Criteria 13 December 2019. Collection method: clinical testing. Allele origin: germline.

Illumina Laboratory Services, Illumina
Classification: Uncertain significance for Alternating hemiplegia of childhood 1. Last evaluated: 2018-01-13. Review status: criteria provided, single submitter. Criteria: ICSL Variant Classification Criteria 13 December 2019. Collection method: clinical testing. Allele origin: germline.